The following is an entry in ClinVar:

ClinVar aggregate classification (germline): Uncertain significance (1 of 4 stars; one submission).

Conditions:
Dyskeratosis congenita. Identifiers: Orphanet 1775, MedGen C0265965, MONDO:0015780.

Submission:

Labcorp Genetics (formerly Invitae), Labcorp
Classification: Uncertain significance for Dyskeratosis congenita. Last evaluated: 2022-02-23. Review status: criteria provided, single submitter. Criteria: Invitae Variant Classification Sherloc (09022015). Collection method: clinical testing. Allele origin: germline.
Comment: A copy number gain of the genomic region encompassing the full coding sequence of the TINF2 gene has been identified. The boundaries of this event are unknown as they extend beyond the assayed region for this gene and therefore may encompass additional genes. As the precise location of this event is unknown, it may be in tandem or it may be located elsewhere in the genome. This variant has not been reported in the literature in individuals affected with TINF2-related conditions. In summary, the available evidence is currently insufficient to determine the role of this variant in disease. Therefore, it has been classified as a Variant of Uncertain Significance.

NC_000014.8:g.(?_24707479)_(24711538_?)dup

Genes: GMPR2 (guanosine monophosphate reductase 2; plus strand), TINF2 (TERF1 interacting nuclear factor 2; minus strand). Cytogenetic location: 14q12.
Variant type: Duplication.
Identifiers: ClinVar variation 2423697 (VCV002423697.3).